The following is an entry in ClinVar:

NM_000053.4(ATP7B):c.3540C>G (p.Ile1180Met)

Gene: ATP7B (ATPase copper transporting beta; minus strand). Cytogenetic location: 13q14.3.
Variant type: single nucleotide variant.
Coding change: c.3540C>G on transcript NM_000053.4 (MANE Select); coding-DNA position 3540, C replaced by G.
Protein change: p.Ile1180Met; replaces isoleucine 1180 with methionine.
Molecular consequence: missense variant. On other transcripts: intron variant (2).
Genome position (GRCh38, 1-based): chr13:51,941,097, G>C on the plus strand (C>G on the coding strand, the complement: ATP7B is on the minus strand). VCF-style: chr13-51941097-G-C. GRCh37 (hg19) VCF-style: chr13-52515233-G-C.
Other names: c.3486C>G, p.Ile1162Met (NM_001406515.1, NM_001406516.1); c.3444C>G, p.Ile1148Met (NM_001406517.1, NM_001406518.1); c.3405C>G, p.Ile1135Met (NM_001406519.1); c.3396C>G, p.Ile1132Met (NM_001406520.1, NM_001406521.1, NM_001406522.1); c.3357C>G, p.Ile1119Met (NM_001406523.1); c.3363C>G, p.Ile1121Met (NM_001406524.1); c.3207C>G, p.Ile1069Met (NM_001243182.2); c.3306C>G, p.Ile1102Met (NM_001330578.2, NM_001406527.1, NM_001406528.1); and 20 more; short protein forms I1018M, I1070M, I1132M, I1162M, I953M, I973M, I986M, I1037M.
Identifiers: ClinVar variation 5032372 (VCV005032372.1).

ClinVar aggregate classification (germline): Uncertain significance (1 of 4 stars; one submission).

Conditions:
Inborn genetic diseases. Identifiers: MedGen C0950123, MeSH D030342.

Submission:

Ambry Genetics
Classification: Uncertain significance for Inborn genetic diseases. Last evaluated: 2026-07-01. Review status: criteria provided, single submitter. Criteria: Ambry Variant Classification Scheme 2023. Collection method: clinical testing. Allele origin: germline.
Comment: The p.I1180M variant (also known as c.3540C>G), located in coding exon 16 of the ATP7B gene, results from a C to G substitution at nucleotide position 3540. The isoleucine at codon 1180 is replaced by methionine, an amino acid with highly similar properties. This amino acid position is conserved. In addition, the in silico prediction for this alteration is inconclusive. Based on the available evidence, the clinical significance of this variant remains unclear.